The following is an entry in ClinVar:

ClinVar aggregate classification (germline): Likely pathogenic (1 of 4 stars; one submission).

Conditions:
Neuronal ceroid lipofuscinosis 7 (CLN7). Also called: MFSD8-Related Neuronal Ceroid-Lipofuscinosis. Identifiers: Orphanet 168491, Orphanet 228366, MedGen C1838571, MONDO:0012588, OMIM 610951.

gnomAD v4.1: 1 of 1,611,806 alleles (0.000062%); highest among the groups gnomAD compares: Non-Finnish European, 0.000085%; no homozygotes.

Submission:

Labcorp Genetics (formerly Invitae), Labcorp
Classification: Likely pathogenic for Neuronal ceroid lipofuscinosis 7. Last evaluated: 2024-02-08. Review status: criteria provided, single submitter. Criteria: Invitae Variant Classification Sherloc (09022015). Collection method: clinical testing. Allele origin: germline.
Comment: This sequence change affects a donor splice site in intron 4 of the MFSD8 gene. It is expected to disrupt RNA splicing. Variants that disrupt the donor or acceptor splice site typically lead to a loss of protein function (PMID: 16199547), and loss-of-function variants in MFSD8 are known to be pathogenic (PMID: 19177532, 25227500, 28586915). This variant is present in population databases (no rsID available, gnomAD 0.0009%). This variant has not been reported in the literature in individuals affected with MFSD8-related conditions. Algorithms developed to predict the effect of sequence changes on RNA splicing suggest that this variant may disrupt the consensus splice site. In summary, the currently available evidence indicates that the variant is pathogenic, but additional data are needed to prove that conclusively. Therefore, this variant has been classified as Likely Pathogenic.

Literature cited by the submitters: PubMed 16199547; PubMed 19177532; PubMed 25227500; PubMed 28586915.

NM_001371596.2(MFSD8):c.198+1G>T

Gene: MFSD8 (major facilitator superfamily domain containing 8; minus strand). Cytogenetic location: 4q28.2.
Variant type: single nucleotide variant.
Coding change: c.198+1G>T on transcript NM_001371596.2 (MANE Select); the canonical splice donor site of the intron after coding-DNA position 198, G replaced by T.
Molecular consequence: splice donor variant.
Genome position (GRCh38, 1-based): chr4:127,949,803, C>A on the plus strand (G>T on the coding strand, the complement: MFSD8 is on the minus strand). VCF-style: chr4-127949803-C-A. GRCh37 (hg19) VCF-style: chr4-128870958-C-A.
Other names: c.63+1G>T (NM_001371595.1, NM_001410765.1, NM_001371590.2); c.198+1G>T (NM_152778.4, NM_001363521.3, NM_001410766.1 and 5 more transcripts).
Identifiers: ClinVar variation 3718127 (VCV003718127.2).